The following is an entry in ClinVar:

ClinVar aggregate classification (germline): Conflicting classifications of pathogenicity. Review status: criteria provided, conflicting classifications (1 of 4 stars). 2 submissions from 2 submitters: Likely pathogenic (1); Uncertain significance (1). Last evaluated 2025-05-13.

Conditions:
GNPTG-mucolipidosis. Also called: ML III GAMMA; ML IIIC; MUCOLIPIDOSIS III, COMPLEMENTATION GROUP C; MUCOLIPIDOSIS III, IRANIAN VARIANT FORM; MUCOLIPIDOSIS III, VARIANT FORM; Mucolipidosis type III gamma. Identifiers: Orphanet 423470, Orphanet 577, MedGen C1854896, MONDO:0009652, OMIM 252605.

Submissions (2):

Natera, Inc.
Classification: Likely pathogenic for Mucolipidosis III gamma. Last evaluated: 2025-05-13. Review status: criteria provided, single submitter. Criteria: Natera Variant Classification Schema (03/2026). Collection method: clinical testing. Allele origin: germline.
Comment: The c.756_769dup variant in GNPTG is a frameshift variant predicted to shift the reading frame beginning at codon 257 and leads to a stop codon 8 codons downstream. This variant is expected to result in nonsense mediated decay, truncation, or a dysfunctional protein product. This variant is rare in the general population with a frequency below the threshold expected for the associated phenotype(s). Given the available evidence, this variant is classified as Likely Pathogenic.

Blueprint Genetics
Classification: Uncertain significance. Last evaluated: 2022-08-18. Review status: criteria provided, single submitter. Criteria: ACMG Guidelines, 2015. Collection method: clinical testing. Allele origin: germline.

NM_032520.5(GNPTG):c.756_769dup (p.Lys257fs)

Gene: GNPTG (N-acetylglucosamine-1-phosphate transferase subunit gamma; plus strand). Cytogenetic location: 16p13.3.
Variant type: Duplication.
Coding change: c.756_769dup on transcript NM_032520.5 (MANE Select); coding-DNA positions 756 to 769, 14 bases duplicated (CTCAAAGGAGATCA).
Protein change: p.Lys257fs; shifts the reading frame from lysine 257.
Molecular consequence: frameshift variant.
Genome position (GRCh38, 1-based): chr16:1,362,839-1,362,852, CTCAAAGGAGATCA duplicated. VCF-style (leftmost placement, unchanged base first): chr16-1362838-T-TCTCAAAGGAGATCA. GRCh37 (hg19) VCF-style: chr16-1412839-T-TCTCAAAGGAGATCA.
Other names: short protein forms K257fs.
Identifiers: ClinVar variation 4068876 (VCV004068876.3).